The following is an entry in ClinVar:

ClinVar aggregate classification (germline): Uncertain significance (1 of 4 stars; one submission).

Allele frequency attached by ClinVar (database versions not stated): ExAC 0.00003; gnomAD exomes 0.00003.
gnomAD v4.1: 50 of 1,610,764 alleles (0.0031%); highest among the groups gnomAD compares: Non-Finnish European, 0.0041%; no homozygotes.

Submission:

Labcorp Genetics (formerly Invitae), Labcorp
Classification: Uncertain significance. Last evaluated: 2024-01-09. Review status: criteria provided, single submitter. Criteria: Invitae Variant Classification Sherloc (09022015). Collection method: clinical testing. Allele origin: germline.
Comment: This sequence change replaces lysine, which is basic and polar, with asparagine, which is neutral and polar, at codon 188 of the PSMG2 protein (p.Lys188Asn). This variant is present in population databases (rs759171486, gnomAD 0.005%). This variant has not been reported in the literature in individuals affected with PSMG2-related conditions. An algorithm developed to predict the effect of missense changes on protein structure and function (PolyPhen-2) suggests that this variant is likely to be disruptive. In summary, the available evidence is currently insufficient to determine the role of this variant in disease. Therefore, it has been classified as a Variant of Uncertain Significance.

NM_020232.5(PSMG2):c.564A>C (p.Lys188Asn)

Gene: PSMG2 (proteasome assembly chaperone 2; plus strand). Cytogenetic location: 18p11.21.
Variant type: single nucleotide variant.
Coding change: c.564A>C on transcript NM_020232.5 (MANE Select); coding-DNA position 564, A replaced by C.
Protein change: p.Lys188Asn; replaces lysine 188 with asparagine.
Molecular consequence: missense variant.
Genome position (GRCh38, 1-based): chr18:12,720,666, A>C. VCF-style: chr18-12720666-A-C. GRCh37 (hg19) VCF-style: chr18-12720665-A-C.
Other names: c.471A>C, p.Lys157Asn (NM_147163.2); short protein forms K157N, K188N.
Identifiers: ClinVar variation 2794418 (VCV002794418.3), dbSNP rs759171486, ClinGen allele CA8898439.
Genomic context (GRCh38, chr18:12,720,666, plus strand): 5'-CATTCCTGAAATAGATGATTCCGAGTTTTGTATCCGCATTCCGGGAGGAGGTATCACAAA[A>C]ACACTCTATGATGAAAGGTGAGTTTGTTTGCCTGTTCATTTGTTTCCCACTTTACTTAAA-3'
Protein context (NP_064617.2, residues 178-198): CIRIPGGGIT[Lys188Asn]TLYDESCSKE